The following is an entry in ClinVar:

NM_014423.4(AFF4):c.1401G>T (p.Pro467=)

Gene: AFF4 (ALF transcription elongation factor 4; minus strand). Cytogenetic location: 5q31.1.
Variant type: single nucleotide variant.
Coding change: c.1401G>T on transcript NM_014423.4 (MANE Select); coding-DNA position 1401, G replaced by T.
Protein change: p.Pro467=; no amino-acid change (proline 467 retained).
Molecular consequence: synonymous variant.
Genome position (GRCh38, 1-based): chr5:132,897,229, C>A on the plus strand (G>T on the coding strand, the complement: AFF4 is on the minus strand). VCF-style: chr5-132897229-C-A. GRCh37 (hg19) VCF-style: chr5-132232921-C-A.
Other names: c.1401G>T (NM_014423.3).
Identifiers: ClinVar variation 1613258 (VCV001613258.11), dbSNP rs138376057, ClinGen allele CA3409097.
Genomic context (GRCh38, chr5:132,897,229, plus strand): 5'-TGACACTTTATGTGGGTTCACTTTATTCAGCCAATTATCAAGTTGCCATTTGTTTGTTGG[C>A]GGGGGTTCAGGCTGAAAAACAGAGAAATATGTATGCTTTTTTCGATACTGAATGCTTTTT-3'
Protein context (NP_055238.1, residues 457-477): SQSASPEPEP[Pro467=]PTNKWQLDNW

ClinVar aggregate classification (germline): Likely benign. Review status: criteria provided, multiple submitters, no conflicts (2 of 4 stars). 3 submissions from 3 submitters: Likely benign (2). 1 of the submissions does not count toward it. Last evaluated 2024-10-28.

Conditions:
Cognitive impairment - coarse facies - heart defects - obesity - pulmonary involvement - short stature - skeletal dysplasia syndrome. Also called: AFF4-Related CHOPS Syndrome; COGNITIVE IMPAIRMENT, COARSE FACIES, HEART DEFECTS, OBESITY, PULMONARY INVOLVEMENT, SHORT STATURE, AND SKELETAL DYSPLASIA; Chops syndrome. Identifiers: Orphanet 444077, MedGen C4085597, MONDO:0014609, OMIM 616368.
AFF4-related disorder. Also called: AFF4-related condition.

Allele frequency attached by ClinVar (database versions not stated): ESP Exome Variant Server 0.00008.
gnomAD v4.1: 38 of 1,612,116 alleles (0.0024%); highest among the groups gnomAD compares: Non-Finnish European, 0.0031%; no homozygotes.

Submissions (3):

Blueprint Genetics
Classification: Likely benign. Last evaluated: 2024-10-28. Review status: criteria provided, single submitter. Criteria: ACMG Guidelines, 2015. Collection method: clinical testing. Allele origin: germline.

Labcorp Genetics (formerly Invitae), Labcorp
Classification: Likely benign for Cognitive impairment - coarse facies - heart defects - obesity - pulmonary involvement - short stature - skeletal dysplasia syndrome. Last evaluated: 2024-08-05. Review status: criteria provided, single submitter. Criteria: Invitae Variant Classification Sherloc (09022015). Collection method: clinical testing. Allele origin: germline.

PreventionGenetics, part of Exact Sciences
Classification: Likely benign for AFF4-related condition. Last evaluated: 2023-01-19. Review status: no assertion criteria provided. Collection method: clinical testing. Allele origin: germline. Not counted in ClinVar's aggregate classification.
Comment: This variant is classified as likely benign based on ACMG/AMP sequence variant interpretation guidelines (Richards et al. 2015 PMID: 25741868, with internal and published modifications).